The following is an entry in ClinVar:

NM_001127222.2(CACNA1A):c.4850T>C (p.Met1617Thr)

Gene: CACNA1A (calcium voltage-gated channel subunit alpha1 A; minus strand). Cytogenetic location: 19p13.13.
Variant type: single nucleotide variant.
Coding change: c.4850T>C on transcript NM_001127222.2 (MANE Select); coding-DNA position 4850, T replaced by C.
Protein change: p.Met1617Thr; replaces methionine 1617 with threonine.
Molecular consequence: missense variant.
Genome position (GRCh38, 1-based): chr19:13,253,007, A>G on the plus strand (T>C on the coding strand, the complement: CACNA1A is on the minus strand). VCF-style: chr19-13253007-A-G. GRCh37 (hg19) VCF-style: chr19-13363821-A-G.
Other names: c.4862T>C, p.Met1621Thr (NM_000068.4, NM_023035.3); c.4853T>C, p.Met1618Thr (NM_001127221.2, NM_001174080.2); short protein forms M1618T, M1621T, M1617T.
Identifiers: ClinVar variation 944702 (VCV000944702.9), dbSNP rs1469756019, ClinGen allele CA404338091.

ClinVar aggregate classification (germline): Uncertain significance. Review status: criteria provided, multiple submitters, no conflicts (2 of 4 stars). 2 submissions from 2 submitters: Uncertain significance (2). Last evaluated 2026-01-20.

Conditions:
Developmental and epileptic encephalopathy, 42 (DEE42A). Also called: DEVELOPMENTAL AND EPILEPTIC ENCEPHALOPATHY 42A; EPILEPTIC ENCEPHALOPATHY, EARLY INFANTILE, 42A; Epileptic encephalopathy, early infantile, 42. Identifiers: MedGen C4310716, MONDO:0014917, OMIM 617106.
Episodic ataxia type 2 (EA2). Also called: CEREBELLAR ATAXIA, PAROXYSMAL, ACETAZOLAMIDE-RESPONSIVE; CEREBELLOPATHY, HEREDITARY PAROXYSMAL; EPISODIC ATAXIA, NYSTAGMUS-ASSOCIATED; ACETAZOLAMIDE-RESPONSIVE HEREDITARY PAROXYSMAL CEREBELLAR ATAXIA; ATAXIA, EPISODIC, WITH NYSTAGMUS; ATAXIA, FAMILIAL PAROXYSMAL. Identifiers: Orphanet 97, MedGen C1720416, MONDO:0007163, OMIM 108500.
Inborn genetic diseases. Identifiers: MedGen C0950123, MeSH D030342.

Allele frequency attached by ClinVar (database versions not stated): gnomAD 0.00001; gnomAD exomes below 0.00001; TOPMed below 0.00001.

Submissions (2):

Ambry Genetics
Classification: Uncertain significance for Inborn genetic diseases. Last evaluated: 2026-01-20. Review status: criteria provided, single submitter. Criteria: Ambry Variant Classification Scheme 2023. Collection method: clinical testing. Allele origin: germline.
Comment: The c.4853T>C (p.M1618T) alteration is located in exon 30 (coding exon 30) of the CACNA1A gene. This alteration results from a T to C substitution at nucleotide position 4853, causing the methionine (M) at amino acid position 1618 to be replaced by a threonine (T). Based on data from gnomAD, the C allele has an overall frequency of <0.001% (1/249112) total alleles studied. The highest observed frequency was 0.007% (1/15480) of African alleles. Based on insufficient or conflicting evidence, the clinical significance of this alteration remains unclear.

Labcorp Genetics (formerly Invitae), Labcorp
Classification: Uncertain significance for Developmental and epileptic encephalopathy, 42; Episodic ataxia type 2. Last evaluated: 2024-04-18. Review status: criteria provided, single submitter. Criteria: Invitae Variant Classification Sherloc (09022015). Collection method: clinical testing. Allele origin: germline.
Comment: This sequence change replaces methionine, which is neutral and non-polar, with threonine, which is neutral and polar, at codon 1618 of the CACNA1A protein (p.Met1618Thr). This variant is present in population databases (no rsID available, gnomAD 0.007%). This variant has not been reported in the literature in individuals affected with CACNA1A-related conditions. ClinVar contains an entry for this variant (Variation ID: 944702). Advanced modeling of protein sequence and biophysical properties (such as structural, functional, and spatial information, amino acid conservation, physicochemical variation, residue mobility, and thermodynamic stability) has been performed at Invitae for this missense variant, however the output from this modeling did not meet the statistical confidence thresholds required to predict the impact of this variant on CACNA1A protein function. In summary, the available evidence is currently insufficient to determine the role of this variant in disease. Therefore, it has been classified as a Variant of Uncertain Significance.